The following is an entry in ClinVar:

NM_000481.4(AMT):c.259-1G>C

Gene: AMT (aminomethyltransferase; minus strand). Cytogenetic location: 3p21.31.
Variant type: single nucleotide variant.
Coding change: c.259-1G>C on transcript NM_000481.4 (MANE Select); the canonical splice acceptor site of the intron before coding-DNA position 259, G replaced by C.
Molecular consequence: splice acceptor variant.
Genome position (GRCh38, 1-based): chr3:49,421,573, C>G on the plus strand (G>C on the coding strand, the complement: AMT is on the minus strand). VCF-style: chr3-49421573-C-G. GRCh37 (hg19) VCF-style: chr3-49459006-C-G.
Other names: c.91-1G>C (NM_001164711.2); c.259-1G>C (NM_001164710.2, NM_001164712.2).
Identifiers: ClinVar variation 56230 (VCV000056230.4), dbSNP rs386833681, ClinGen allele CA263572.

ClinVar aggregate classification (germline): Pathogenic. Review status: criteria provided, single submitter (1 of 4 stars). 2 submissions from 2 submitters: Pathogenic (1). 1 of the submissions does not count toward it. Last evaluated 2025-12-19.

Conditions:
Glycine encephalopathy. Also called: Nonketotic hyperglycinemia; Non-ketotic hyperglycinemia. Identifiers: Orphanet 407, MedGen C0751748, MONDO:0011612, HP:0008288.

Submissions (2):

Natera, Inc.
Classification: Pathogenic for Non-ketotic hyperglycinemia. Last evaluated: 2025-12-19. Review status: criteria provided, single submitter. Criteria: Natera Variant Classification Schema (03/2026). Collection method: clinical testing. Allele origin: germline.
Comment: The c.259-1G>C variant in AMT is a canonical splice acceptor site variant predicted to affect pre-mRNA splicing, which may result in an abnormal transcript and altered protein product. This variant is expected to result in nonsense mediated decay, truncation, or a dysfunctional protein product. This variant is rare in the general population with a frequency below the threshold expected for the associated phenotype(s). This variant has been observed in one or more individuals affected with the associated recessive disease, as either homozygous or compound heterozygous with a second variant (PMID: 28244183). Another variant at this same site results in an alteration predicted to cause a similar molecular effect has been observed in individual(s) with the associated phenotype. Given the available evidence, this variant is classified as Pathogenic.

Juha Muilu Group; Institute for Molecular Medicine Finland (FIMM)
Classification: Likely pathogenic for Non-ketotic hyperglycinemia. Review status: no assertion criteria provided. Collection method: not provided. Allele origin: unknown. Not counted in ClinVar's aggregate classification.
Comment: FinDis database variant: This variant was not found or characterized by our laboratory, data were collected from public sources: see reference
ClinVar note: Converted during submission from probable-pathogenic to Likely pathogenic.

Literature cited by the submitters: PubMed 28244183 (cited by Natera, Inc.).